The following is an entry in ClinVar:

ClinVar aggregate classification (germline): Uncertain significance. Review status: criteria provided, multiple submitters, no conflicts (2 of 4 stars). 2 submissions from 2 submitters: Uncertain significance (2). Last evaluated 2024-12-29.

Conditions:
Sitosterolemia 1. Identifiers: MedGen C2749759, MONDO:0020747, OMIM 210250.
Cardiovascular phenotype. Identifiers: MedGen CN230736.

Allele frequency attached by ClinVar (database versions not stated): gnomAD 0.00001.
gnomAD v4.1: 4 of 1,613,966 alleles (0.00025%); highest among the groups gnomAD compares: African/African-American, 0.0013%; no homozygotes.

Submissions (2):

Ambry Genetics
Classification: Uncertain significance for Cardiovascular phenotype. Last evaluated: 2024-12-29. Review status: criteria provided, single submitter. Criteria: Ambry Variant Classification Scheme 2023. Collection method: clinical testing. Allele origin: germline.
Comment: The p.I665S variant (also known as c.1994T>G), located in coding exon 13 of the ABCG8 gene, results from a T to G substitution at nucleotide position 1994. The isoleucine at codon 665 is replaced by serine, an amino acid with dissimilar properties. This amino acid position is conserved. In addition, the in silico prediction for this alteration is inconclusive. Since supporting evidence is limited at this time, the clinical significance of this alteration remains unclear.

Revvity Omics, Revvity
Classification: Uncertain significance for Sitosterolemia 1. Last evaluated: 2023-08-10. Review status: criteria provided, single submitter. Criteria: ACMG Guidelines, 2015. Collection method: clinical testing. Allele origin: germline.

NM_022437.3(ABCG8):c.1994T>G (p.Ile665Ser)

Gene: ABCG8 (ATP binding cassette subfamily G member 8; plus strand). Cytogenetic location: 2p21.
Variant type: single nucleotide variant.
Coding change: c.1994T>G on transcript NM_022437.3 (MANE Select); coding-DNA position 1994, T replaced by G.
Protein change: p.Ile665Ser; replaces isoleucine 665 with serine.
Molecular consequence: missense variant.
Genome position (GRCh38, 1-based): chr2:43,877,885, T>G. VCF-style: chr2-43877885-T-G. GRCh37 (hg19) VCF-style: chr2-44105024-T-G.
Other names: c.1991T>G, p.Ile664Ser (NM_001357321.2); short protein forms I664S, I665S.
Identifiers: ClinVar variation 1784032 (VCV001784032.5), dbSNP rs969569759, ClinGen allele CA46474804.